The following is an entry in ClinVar:

NM_000439.5(PCSK1):c.795T>C (p.Ser265=)

Genes: CAST (calpastatin; plus strand), PCSK1 (proprotein convertase subtilisin/kexin type 1; minus strand), LOC101929710 (uncharacterized LOC101929710; plus strand). Cytogenetic location: 5q15.
Variant type: single nucleotide variant.
Coding change: c.795T>C on transcript NM_000439.5 (MANE Select); coding-DNA position 795, T replaced by C.
Protein change: p.Ser265=; no amino-acid change (serine 265 retained).
Molecular consequence: synonymous variant. On other transcripts: intron variant (11).
Genome position (GRCh38, 1-based): chr5:96,412,405, A>G on the plus strand (T>C on the coding strand, the complement: PCSK1 is on the minus strand). VCF-style: chr5-96412405-A-G. GRCh37 (hg19) VCF-style: chr5-95748109-A-G.
Other names: c.654T>C, p.Ser218= (NM_001177875.2); c.-175+32753A>G (NM_001423254.1, NM_001423259.1, NM_001423255.1 and 6 more transcripts); c.-103+32753A>G (NM_001423253.1); c.-40+32753A>G (NM_001423258.1).
Identifiers: ClinVar variation 3029665 (VCV003029665.3), dbSNP rs1760784813, ClinGen allele CA445495263.

ClinVar aggregate classification (germline): Likely benign. Review status: criteria provided, single submitter (1 of 4 stars). 2 submissions from 2 submitters: Likely benign (1). 1 of the submissions does not count toward it. Last evaluated 2023-07-20.

Conditions:
PCSK1-related disorder. Also called: PCSK1-related condition.

Allele frequency attached by ClinVar (database versions not stated): gnomAD exomes below 0.00001; TOPMed below 0.00001.
gnomAD v4.1: 1 of 1,614,078 alleles (0.000062%); highest among the groups gnomAD compares: Admixed American, 0.0017%; no homozygotes.

Submissions (2):

Blueprint Genetics
Classification: Likely benign. Last evaluated: 2023-07-20. Review status: criteria provided, single submitter. Criteria: ACMG Guidelines, 2015. Collection method: clinical testing. Allele origin: germline.

PreventionGenetics, part of Exact Sciences
Classification: Likely benign for PCSK1-related condition. Last evaluated: 2021-06-24. Review status: no assertion criteria provided. Collection method: clinical testing. Allele origin: germline. Not counted in ClinVar's aggregate classification.
Comment: This variant is classified as likely benign based on ACMG/AMP sequence variant interpretation guidelines (Richards et al. 2015 PMID: 25741868, with internal and published modifications).